The following is an entry in ClinVar:

NM_199420.4(POLQ):c.3955G>C (p.Glu1319Gln)

Gene: POLQ (DNA polymerase theta; minus strand). Cytogenetic location: 3q13.33.
Variant type: single nucleotide variant.
Coding change: c.3955G>C on transcript NM_199420.4 (MANE Select); coding-DNA position 3955, G replaced by C.
Protein change: p.Glu1319Gln; replaces glutamic acid 1319 with glutamine.
Molecular consequence: missense variant.
Genome position (GRCh38, 1-based): chr3:121,488,976, C>G on the plus strand (G>C on the coding strand, the complement: POLQ is on the minus strand). VCF-style: chr3-121488976-C-G. GRCh37 (hg19) VCF-style: chr3-121207823-C-G.
Other names: short protein forms E1319Q.
Identifiers: ClinVar variation 3308672 (VCV003308672.1).
Genomic context (GRCh38, chr3:121,488,976, plus strand): 5'-TTTCAGTTGCCATCTGTTGTATTATTTTCTCTGACTGAGTATCCAGATAGAAACTATCTT[C>G]AAAATCACAGAGGACTAAACCTAAGTCAGAAACATGATTATTTTTAGTTTTGTTTGTTGT-3'
Protein context (NP_955452.3, residues 1309-1329): SDLGLVLCDF[Glu1319Gln]DSFYLDTQSE

ClinVar aggregate classification (germline): Uncertain significance (1 of 4 stars; one submission).

Submission:

Ambry Genetics
Classification: Uncertain significance. Last evaluated: 2024-05-06. Review status: criteria provided, single submitter. Criteria: Ambry Variant Classification Scheme 2023. Collection method: clinical testing. Allele origin: germline.
Comment: The p.E1319Q variant (also known as c.3955G>C), located in coding exon 16 of the POLQ gene, results from a G to C substitution at nucleotide position 3955. The glutamic acid at codon 1319 is replaced by glutamine, an amino acid with highly similar properties. This amino acid position is conserved. In addition, this alteration is predicted to be tolerated by in silico analysis. Based on the available evidence, the clinical significance of this variant remains unclear.